The following is an entry in ClinVar:

ClinVar aggregate classification (germline): Uncertain significance (1 of 4 stars; one submission).

Submission:

CeGaT Center for Human Genetics Tuebingen
Classification: Uncertain significance. Last evaluated: 2023-02-01. Review status: criteria provided, single submitter. Criteria: CeGaT Center For Human Genetics Tuebingen Variant Classification Criteria Version 2. Collection method: clinical testing. Allele origin: germline. Affected: yes. Observed: 1 variant allele.
Comment: CFAP74: PM2, BP4

NM_001304360.2(CFAP74):c.3296T>G (p.Leu1099Arg)

Gene: CFAP74 (cilia and flagella associated protein 74; minus strand). Cytogenetic location: 1p36.33.
Variant type: single nucleotide variant.
Coding change: c.3296T>G on transcript NM_001304360.2 (MANE Select); coding-DNA position 3296, T replaced by G.
Protein change: p.Leu1099Arg; replaces leucine 1099 with arginine.
Molecular consequence: missense variant.
Genome position (GRCh38, 1-based): chr1:1,928,875, A>C on the plus strand (T>G on the coding strand, the complement: CFAP74 is on the minus strand). VCF-style: chr1-1928875-A-C. GRCh37 (hg19) VCF-style: chr1-1860314-A-C.
Other names: short protein forms L1099R.
Identifiers: ClinVar variation 2638068 (VCV002638068.24), dbSNP rs919301057, ClinGen allele CA337941012.